The following is an entry in ClinVar:

NM_001009994.3(RIPPLY2):c.70A>G (p.Thr24Ala)

Genes: RIPPLY2-CYB5R4 (RIPPLY2-CYB5R4 readthrough; plus strand), RIPPLY2 (ripply transcriptional repressor 2; plus strand). Cytogenetic location: 6q14.2.
Variant type: single nucleotide variant.
Coding change: c.70A>G on transcript NM_001009994.3 (MANE Select); coding-DNA position 70, A replaced by G.
Protein change: p.Thr24Ala; replaces threonine 24 with alanine.
Molecular consequence: missense variant.
Genome position (GRCh38, 1-based): chr6:83,853,486, A>G. VCF-style: chr6-83853486-A-G. GRCh37 (hg19) VCF-style: chr6-84563205-A-G.
Other names: short protein forms T24A.
Identifiers: ClinVar variation 1351107 (VCV001351107.8), dbSNP rs2129124422, ClinGen allele CA365048975.

ClinVar aggregate classification (germline): Uncertain significance (1 of 4 stars; one submission).

Submission:

Labcorp Genetics (formerly Invitae), Labcorp
Classification: Uncertain significance. Last evaluated: 2021-05-04. Review status: criteria provided, single submitter. Criteria: Invitae Variant Classification Sherloc (09022015). Collection method: clinical testing. Allele origin: germline.
Comment: In summary, the available evidence is currently insufficient to determine the role of this variant in disease. Therefore, it has been classified as a Variant of Uncertain Significance. Algorithms developed to predict the effect of missense changes on protein structure and function output the following: SIFT: "Tolerated"; PolyPhen-2: "Benign"; Align-GVGD: "Class C0". The alanine amino acid residue is found in multiple mammalian species, suggesting that this missense change does not adversely affect protein function. These predictions have not been confirmed by published functional studies and their clinical significance is uncertain. This variant has not been reported in the literature in individuals with RIPPLY2-related conditions. The frequency data for this variant in the population databases is considered unreliable, as metrics indicate insufficient coverage at this position in the ExAC database. This sequence change replaces threonine with alanine at codon 24 of the RIPPLY2 protein (p.Thr24Ala). The threonine residue is weakly conserved and there is a small physicochemical difference between threonine and alanine.